The following is an entry in ClinVar:

ClinVar aggregate classification (germline): Pathogenic. Review status: criteria provided, multiple submitters, no conflicts (2 of 4 stars). 3 submissions from 3 submitters: Pathogenic (3). Last evaluated 2026-01-26.

Conditions:
Familial hemophagocytic lymphohistiocytosis 2 (FHL2). Also called: PRF1-Related Familial Hemophagocytic Lymphohistiocytosis (PRF1-fHLH). Identifiers: Orphanet 540, MedGen C1863727, MONDO:0011337, OMIM 603553.
Aplastic anemia. Identifiers: Orphanet 182040, Orphanet 88, MedGen C0002874, MONDO:0015909, OMIM 609135, HP:0001915.

Allele frequency attached by ClinVar (database versions not stated): ExAC 0.00001; gnomAD exomes 0.00001.

Submissions (3):

Myriad Genetics, Inc.
Classification: Pathogenic for Familial hemophagocytic lymphohistiocytosis 2. Last evaluated: 2026-01-26. Review status: criteria provided, single submitter. Criteria: Myriad Autosomal Dominant, Autosomal Recessive and X-Linked Classification Criteria (2023). Collection method: clinical testing. Allele origin: unknown.
Comment: NM_001083116.1(PRF1):c.1451delA(D484Vfs*25) is a frameshift variant classified as pathogenic in the context of familial hemophagocytic lymphohistiocytosis, PRF1-related. D484Vfs*25 has been observed in a case with relevant disease (PMID: 20055781). Relevant functional assessments of this variant are not available in the literature. D484Vfs*25 has been observed in referenced population frequency databases. In summary, NM_001083116.1(PRF1):c.1451delA(D484Vfs*25) is a frameshift variant in a gene where loss of function is a known mechanism of disease, is predicted to disrupt protein function, and has been observed more frequently in cases with the relevant disease than in healthy populations. Please note: this variant was assessed in the context of healthy population screening.

Labcorp Genetics (formerly Invitae), Labcorp
Classification: Pathogenic for Familial hemophagocytic lymphohistiocytosis 2. Last evaluated: 2024-03-09. Review status: criteria provided, single submitter. Criteria: Invitae Variant Classification Sherloc (09022015). Collection method: clinical testing. Allele origin: germline.
Comment: This sequence change creates a premature translational stop signal (p.Asp484Valfs*25) in the PRF1 gene. While this is not anticipated to result in nonsense mediated decay, it is expected to disrupt the last 72 amino acid(s) of the PRF1 protein. This variant is present in population databases (rs755693770, gnomAD 0.0009%). This premature translational stop signal has been observed in individual(s) with hemophagocytic lymphohistiocytosis (PMID: 20055781). Algorithms developed to predict the effect of sequence changes on RNA splicing suggest that this variant may create or strengthen a splice site. This variant disrupts a region of the PRF1 protein in which other variant(s) (p.Asp491Asn) have been determined to be pathogenic (PMID: 17477373, 25577959, 33746956). This suggests that this is a clinically significant region of the protein, and that variants that disrupt it are likely to be disease-causing. For these reasons, this variant has been classified as Pathogenic.

Baylor Genetics
Classification: Pathogenic for Aplastic anemia. Last evaluated: 2024-02-03. Review status: criteria provided, single submitter. Criteria: ACMG Guidelines, 2015. Collection method: clinical testing. Allele origin: unknown.

Literature cited by the submitters: PubMed 20055781 (cited by Myriad Genetics, Inc. and Labcorp Genetics (formerly Invitae), Labcorp); PubMed 17477373 (cited by Labcorp Genetics (formerly Invitae), Labcorp); PubMed 25577959 (cited by Labcorp Genetics (formerly Invitae), Labcorp); PubMed 33746956 (cited by Labcorp Genetics (formerly Invitae), Labcorp).

NM_001083116.3(PRF1):c.1451del (p.Asp484fs)

Gene: PRF1 (perforin 1; minus strand). Cytogenetic location: 10q22.1.
Variant type: Deletion.
Coding change: c.1451del on transcript NM_001083116.3 (MANE Select); coding-DNA position 1451, one base deleted (A; older notation c.1451delA).
Protein change: p.Asp484fs; shifts the reading frame from aspartic acid 484.
Molecular consequence: frameshift variant.
Genome position (GRCh38, 1-based): chr10:70,598,270, T deleted on the plus strand (A on the coding strand, the reverse complement: PRF1 is on the minus strand). VCF-style (leftmost placement, unchanged base first): chr10-70598269-AT-A. GRCh37 (hg19) VCF-style: chr10-72358025-AT-A.
Other names: c.1451del, p.Asp484fs (NM_005041.6); short protein forms D484fs.
Identifiers: ClinVar variation 2735409 (VCV002735409.5), dbSNP rs755693770, ClinGen allele CA5538736.